The following is an entry in ClinVar:

ClinVar aggregate classification (germline): Uncertain significance. Review status: criteria provided, multiple submitters, no conflicts (2 of 4 stars). 2 submissions from 2 submitters: Uncertain significance (2). Last evaluated 2025-05-21.

Conditions:
Familial cancer of breast. Also called: BREAST CANCER, FAMILIAL; Hereditary breast cancer; hereditary breast carcinoma. Identifiers: Orphanet 227535, MedGen C0346153, MONDO:0016419, OMIM 114480. Disease mechanism: loss of function.
Hereditary cancer-predisposing syndrome. Also called: Tumor predisposition; Hereditary neoplastic syndrome; Hereditary Cancer Syndrome; Neoplastic Syndromes, Hereditary. Identifiers: Orphanet 140162, MedGen C0027672, MeSH D009386, MONDO:0015356.

gnomAD v4.1: 4 of 1,613,910 alleles (0.00025%); highest among the groups gnomAD compares: Non-Finnish European, 0.00034%; no homozygotes.

Submissions (2):

Labcorp Genetics (formerly Invitae), Labcorp
Classification: Uncertain significance for Familial cancer of breast. Last evaluated: 2025-05-21. Review status: criteria provided, single submitter. Criteria: Invitae Variant Classification Sherloc (09022015). Collection method: clinical testing. Allele origin: germline.
Comment: This sequence change replaces glutamine, which is neutral and polar, with arginine, which is basic and polar, at codon 51 of the CHEK2 protein (p.Gln51Arg). This variant is not present in population databases (gnomAD no frequency). This variant has not been reported in the literature in individuals affected with CHEK2-related conditions. ClinVar contains an entry for this variant (Variation ID: 936495). An algorithm developed to predict the effect of missense changes on protein structure and function (PolyPhen-2) suggests that this variant is likely to be disruptive. In summary, the available evidence is currently insufficient to determine the role of this variant in disease. Therefore, it has been classified as a Variant of Uncertain Significance.

Ambry Genetics
Classification: Uncertain significance for Hereditary cancer-predisposing syndrome. Last evaluated: 2022-11-02. Review status: criteria provided, single submitter. Criteria: Ambry Variant Classification Scheme 2023. Collection method: clinical testing. Allele origin: germline.
Comment: The p.Q51R variant (also known as c.152A>G), located in coding exon 1 of the CHEK2 gene, results from an A to G substitution at nucleotide position 152. The glutamine at codon 51 is replaced by arginine, an amino acid with highly similar properties. This amino acid position is conserved. In addition, the in silico prediction for this alteration is inconclusive. Since supporting evidence is limited at this time, the clinical significance of this alteration remains unclear.

NM_007194.4(CHEK2):c.152A>G (p.Gln51Arg)

Gene: CHEK2 (checkpoint kinase 2; minus strand). Cytogenetic location: 22q12.1.
Variant type: single nucleotide variant.
Coding change: c.152A>G on transcript NM_007194.4 (MANE Select); coding-DNA position 152, A replaced by G.
Protein change: p.Gln51Arg; replaces glutamine 51 with arginine.
Molecular consequence: missense variant.
Genome position (GRCh38, 1-based): chr22:28,734,570, T>C on the plus strand (A>G on the coding strand, the complement: CHEK2 is on the minus strand). VCF-style: chr22-28734570-T-C. GRCh37 (hg19) VCF-style: chr22-29130558-T-C.
Other names: c.152A>G, p.Gln51Arg (NM_001005735.3, NM_001349956.3, NM_145862.3); c.-626A>G (NM_001257387.3); short protein forms Q51R.
Identifiers: ClinVar variation 936495 (VCV000936495.12), dbSNP rs2054325722, ClinGen allele CA411091002.